The following is an entry in ClinVar:

ClinVar aggregate classification (germline): Uncertain significance. Review status: criteria provided, multiple submitters, no conflicts (2 of 4 stars). 2 submissions from 2 submitters: Uncertain significance (2). Last evaluated 2025-06-23.

Conditions:
Capillary malformation-arteriovenous malformation syndrome. Also called: Capillary malformation-arteriovenous malformation. Identifiers: Orphanet 137667, MedGen C1842180, MONDO:0012016.
Cardiovascular phenotype. Identifiers: MedGen CN230736.

Allele frequency attached by ClinVar (database versions not stated): gnomAD 0.00001; TOPMed 0.00001.
gnomAD v4.1: 7 of 1,614,066 alleles (0.00043%); highest among the groups gnomAD compares: African/African-American, 0.008%; no homozygotes.

Submissions (2):

Labcorp Genetics (formerly Invitae), Labcorp
Classification: Uncertain significance for Capillary malformation-arteriovenous malformation syndrome. Last evaluated: 2025-06-23. Review status: criteria provided, single submitter. Criteria: Invitae Variant Classification Sherloc (09022015). Collection method: clinical testing. Allele origin: germline.
Comment: This sequence change replaces proline, which is neutral and non-polar, with alanine, which is neutral and non-polar, at codon 162 of the RASA1 protein (p.Pro162Ala). This variant is present in population databases (no rsID available, gnomAD 0.007%). This variant has not been reported in the literature in individuals affected with RASA1-related conditions. ClinVar contains an entry for this variant (Variation ID: 2057721). An algorithm developed to predict the effect of missense changes on protein structure and function (PolyPhen-2) suggests that this variant is likely to be tolerated. In summary, the available evidence is currently insufficient to determine the role of this variant in disease. Therefore, it has been classified as a Variant of Uncertain Significance.

Ambry Genetics
Classification: Uncertain significance for Cardiovascular phenotype. Last evaluated: 2023-03-16. Review status: criteria provided, single submitter. Criteria: Ambry Variant Classification Scheme 2023. Collection method: clinical testing. Allele origin: germline.
Comment: The p.P162A variant (also known as c.484C>G), located in coding exon 1 of the RASA1 gene, results from a C to G substitution at nucleotide position 484. The proline at codon 162 is replaced by alanine, an amino acid with highly similar properties. This amino acid position is conserved. In addition, this alteration is predicted to be tolerated by in silico analysis. Since supporting evidence is limited at this time, the clinical significance of this alteration remains unclear.

NM_002890.3(RASA1):c.484C>G (p.Pro162Ala)

Gene: RASA1 (RAS p21 protein activator 1; plus strand). Cytogenetic location: 5q14.3.
Variant type: single nucleotide variant.
Coding change: c.484C>G on transcript NM_002890.3 (MANE Select); coding-DNA position 484, C replaced by G.
Protein change: p.Pro162Ala; replaces proline 162 with alanine.
Molecular consequence: missense variant.
Genome position (GRCh38, 1-based): chr5:87,268,935, C>G. VCF-style: chr5-87268935-C-G. GRCh37 (hg19) VCF-style: chr5-86564752-C-G.
Other names: short protein forms P162A.
Identifiers: ClinVar variation 2057721 (VCV002057721.6), dbSNP rs1310420860, ClinGen allele CA360417481.